The following is an entry in ClinVar:

ClinVar aggregate classification (germline): Uncertain significance (1 of 4 stars; one submission).

Conditions:
Cardiovascular phenotype. Identifiers: MedGen CN230736.

Submission:

Ambry Genetics
Classification: Uncertain significance for Cardiovascular phenotype. Last evaluated: 2025-10-24. Review status: criteria provided, single submitter. Criteria: Ambry Variant Classification Scheme 2023. Collection method: clinical testing. Allele origin: germline.
Comment: The c.1262delT variant, located in coding exon 10 of the VCL gene, results from a deletion of one nucleotide at nucleotide position 1262, causing a translational frameshift with a predicted alternate stop codon. This alteration is expected to result in protein truncation or nonsense-mediated mRNA decay. However, loss of function has not been established as a mechanism of disease. Based on the available evidence, the clinical significance of this alteration remains unclear.

NM_014000.3(VCL):c.1262del (p.Leu421fs)

Gene: VCL (vinculin; plus strand). Cytogenetic location: 10q22.2.
Variant type: Deletion.
Coding change: c.1262del on transcript NM_014000.3 (MANE Select); coding-DNA position 1262, one base deleted (T; older notation c.1262delT).
Protein change: p.Leu421fs; shifts the reading frame from leucine 421.
Molecular consequence: frameshift variant.
Genome position (GRCh38, 1-based): chr10:74,090,108, T deleted; the last of 2 consecutive T bases (chr10:74,090,107-74,090,108); deleting either gives the same sequence. VCF-style (leftmost placement, unchanged base first): chr10-74090106-AT-A. GRCh37 (hg19) VCF-style: chr10-75849864-AT-A.
Other names: c.1262del, p.Leu421fs (NM_003373.4); short protein forms L421fs.
Identifiers: ClinVar variation 3467800 (VCV003467800.2).